The following is an entry in ClinVar:

NM_020975.6(RET):c.3171T>C (p.Ile1057=)

Gene: RET (ret proto-oncogene; plus strand). Cytogenetic location: 10q11.21.
Variant type: single nucleotide variant.
Coding change: c.3171T>C on transcript NM_020975.6 (MANE Select); coding-DNA position 3171, T replaced by C.
Protein change: p.Ile1057=; no amino-acid change (isoleucine 1057 retained).
Molecular consequence: synonymous variant. On other transcripts: intron variant (4).
Genome position (GRCh38, 1-based): chr10:43,126,706, T>C. VCF-style: chr10-43126706-T-C. GRCh37 (hg19) VCF-style: chr10-43622154-T-C.
Other names: c.3171T>C, p.Ile1057= (NM_000323.2, NM_001406743.1, NM_001406744.1 and 2 more transcripts); c.2409T>C, p.Ile803= (NM_001355216.2); c.3042T>C, p.Ile1014= (NM_001406761.1, NM_001406762.1, NM_001406764.1); c.3036T>C, p.Ile1012= (NM_001406763.1, NM_001406765.1); c.2883T>C, p.Ile961= (NM_001406766.1, NM_001406767.1, NM_001406770.1); c.2907T>C, p.Ile969= (NM_001406768.1); c.2775T>C, p.Ile925= (NM_001406769.1, NM_001406772.1); c.2733T>C, p.Ile911= (NM_001406771.1, NM_001406773.1); and 13 more.
Identifiers: ClinVar variation 1728439 (VCV001728439.3), dbSNP rs2133037467, ClinGen allele CA469032697.
Genomic context (GRCh38, chr10:43,126,706, plus strand): 5'-GACACCGCTGGTGGACTGTAATAATGCCCCCCTCCCTCGAGCCCTCCCTTCCACATGGAT[T>C]GAAAACAAACTCTATGGTAGAATTTCCCATGCATTTACTAGATTCTAGCACCGCTGTCCC-3'
Protein context (NP_066124.1, residues 1047-1067): PLPRALPSTW[Ile1057=]ENKLYGMSDP

ClinVar aggregate classification (germline): Conflicting classifications of pathogenicity. Review status: criteria provided, conflicting classifications (1 of 4 stars). 2 submissions from 2 submitters: Uncertain significance (1); Likely benign (1). Last evaluated 2022-12-03.

Conditions:
Hereditary cancer-predisposing syndrome. Also called: Tumor predisposition; Neoplastic Syndromes, Hereditary; Hereditary Cancer Syndrome; Hereditary neoplastic syndrome. Identifiers: Orphanet 140162, MedGen C0027672, MeSH D009386, MONDO:0015356.

gnomAD v4.1: 1 of 1,614,032 alleles (0.000062%); highest among the groups gnomAD compares: Non-Finnish European, 0.000085%; no homozygotes.

Submissions (2):

GeneDx
Classification: Uncertain significance. Last evaluated: 2022-12-03. Review status: criteria provided, single submitter. Criteria: GeneDx Variant Classification Process June 2021. Collection method: clinical testing. Allele origin: germline. Affected: yes.
Comment: Not observed at significant frequency in large population cohorts (gnomAD); In silico analysis supports that this variant does not alter splicing; Has not been previously published as pathogenic or benign to our knowledge

Ambry Genetics
Classification: Likely benign for Hereditary cancer-predisposing syndrome. Last evaluated: 2020-08-18. Review status: criteria provided, single submitter. Criteria: Ambry Variant Classification Scheme 2023. Collection method: clinical testing. Allele origin: germline.